The following is an entry in ClinVar:

ClinVar aggregate classification (germline): Uncertain significance. Review status: criteria provided, multiple submitters, no conflicts (2 of 4 stars). 2 submissions from 2 submitters: Uncertain significance (2). Last evaluated 2025-09-09.

Conditions:
Dilated cardiomyopathy 1O (CMD1O). Also called: CARDIOMYOPATHY, DILATED, WITH VENTRICULAR TACHYCARDIA. Identifiers: Orphanet 154, MedGen C1837839, MONDO:0012062, OMIM 608569.
Cardiovascular phenotype. Identifiers: MedGen CN230736.

Allele frequency attached by ClinVar (database versions not stated): gnomAD 0.00001; TOPMed 0.00001.
gnomAD v4.1: 2 of 1,613,984 alleles (0.00012%); highest among the groups gnomAD compares: Non-Finnish European, 0.00017%; no homozygotes.

Submissions (2):

Ambry Genetics
Classification: Uncertain significance for Cardiovascular phenotype. Last evaluated: 2025-09-09. Review status: criteria provided, single submitter. Criteria: Ambry Variant Classification Scheme 2023. Collection method: clinical testing. Allele origin: germline.
Comment: The p.S1520T variant (also known as c.4558T>A), located in coding exon 38 of the ABCC9 gene, results from a T to A substitution at nucleotide position 4558. The serine at codon 1520 is replaced by threonine, an amino acid with similar properties. This amino acid position is highly conserved in available vertebrate species. In addition, this alteration is predicted to be tolerated by in silico analysis. Since supporting evidence is limited at this time, the clinical significance of this alteration remains unclear.

Labcorp Genetics (formerly Invitae), Labcorp
Classification: Uncertain significance for Dilated cardiomyopathy 1O. Last evaluated: 2022-07-31. Review status: criteria provided, single submitter. Criteria: Invitae Variant Classification Sherloc (09022015). Collection method: clinical testing. Allele origin: germline.
Comment: This sequence change replaces serine, which is neutral and polar, with threonine, which is neutral and polar, at codon 1520 of the ABCC9 protein (p.Ser1520Thr). The frequency data for this variant in the population databases is considered unreliable, as metrics indicate poor data quality at this position in the gnomAD database. This variant has not been reported in the literature in individuals affected with ABCC9-related conditions. Algorithms developed to predict the effect of missense changes on protein structure and function (SIFT, PolyPhen-2, Align-GVGD) all suggest that this variant is likely to be tolerated. In summary, the available evidence is currently insufficient to determine the role of this variant in disease. Therefore, it has been classified as a Variant of Uncertain Significance.

NM_020297.4(ABCC9):c.4512+732T>A

Genes: ABCC9 (ATP binding cassette subfamily C member 9; minus strand), KCNJ8-AS1 (KCNJ8 antisense RNA 1; plus strand). Cytogenetic location: 12p12.1.
Variant type: single nucleotide variant.
Coding change: c.4512+732T>A on transcript NM_020297.4 (MANE Select); 732 bases into the intron after coding-DNA position 4512, T replaced by A.
Molecular consequence: intron variant. On other transcripts: missense variant (1).
Genome position (GRCh38, 1-based): chr12:21,805,266, A>T on the plus strand (T>A on the coding strand, the complement: ABCC9 is on the minus strand). VCF-style: chr12-21805266-A-T. GRCh37 (hg19) VCF-style: chr12-21958200-A-T.
Other names: c.4558T>A, p.Ser1520Thr (NM_005691.4); c.3645+732T>A (NM_001377274.1); c.4512+732T>A (NM_001377273.1); short protein forms S1520T.
Identifiers: ClinVar variation 1741470 (VCV001741470.8), dbSNP rs1383596373, ClinGen allele CA384129343.
Genomic context (GRCh38, chr12:21,805,266, plus strand): 5'-GGCCATTCTTGTGGGCGAGCAAATTTGGGACAGTATCACACTCCACTAAAATACCCTCAG[A>T]AAAGACTAAAACAAGGCCTGCATCCATAATAGAAGAGACACGGTGCTGGAGAGAAAAATA-3'